The following is an entry in ClinVar:

ClinVar aggregate classification (germline): Uncertain significance (1 of 4 stars; one submission).

Submission:

Labcorp Genetics (formerly Invitae), Labcorp
Classification: Uncertain significance. Last evaluated: 2022-08-16. Review status: criteria provided, single submitter. Criteria: Invitae Variant Classification Sherloc (09022015). Collection method: clinical testing. Allele origin: germline.
Comment: This sequence change creates a premature translational stop signal (p.Lys417Argfs*3) in the GHRHR gene. While this is not anticipated to result in nonsense mediated decay, it is expected to disrupt the last 7 amino acid(s) of the GHRHR protein. This variant is present in population databases (rs771060895, gnomAD 0.03%). This variant has not been reported in the literature in individuals affected with GHRHR-related conditions. ClinVar contains an entry for this variant (Variation ID: 632503). Experimental studies and prediction algorithms are not available or were not evaluated, and the functional significance of this variant is currently unknown. In summary, the available evidence is currently insufficient to determine the role of this variant in disease. Therefore, it has been classified as a Variant of Uncertain Significance.

NM_000823.4(GHRHR):c.1250del (p.Lys417fs)

Gene: GHRHR (growth hormone releasing hormone receptor; plus strand). Cytogenetic location: 7p14.3.
Variant type: Deletion.
Coding change: c.1250del on transcript NM_000823.4 (MANE Select); coding-DNA position 1250, one base deleted (A; older notation c.1250delA).
Protein change: p.Lys417fs; shifts the reading frame from lysine 417.
Molecular consequence: frameshift variant.
Genome position (GRCh38, 1-based): chr7:30,979,222, A deleted; the last of 3 consecutive A bases (chr7:30,979,220-30,979,222); deleting any one gives the same sequence. VCF-style (leftmost placement, unchanged base first): chr7-30979219-CA-C. GRCh37 (hg19) VCF-style: chr7-31018834-CA-C.
Other names: short protein forms K417fs.
Identifiers: ClinVar variation 632503 (VCV000632503.8), dbSNP rs771060895, ClinGen allele CA4208860.